The following is an entry in ClinVar:

NM_005228.5(EGFR):c.2308G>A (p.Asp770Asn)

Genes: EGFR-AS1 (EGFR antisense RNA 1; minus strand), EGFR (epidermal growth factor receptor; plus strand). Cytogenetic location: 7p11.2.
Variant type: single nucleotide variant.
Coding change: c.2308G>A on transcript NM_005228.5 (MANE Select); coding-DNA position 2308, G replaced by A.
Protein change: p.Asp770Asn; replaces aspartic acid 770 with asparagine.
Molecular consequence: missense variant. On other transcripts: non-coding transcript variant (1).
Genome position (GRCh38, 1-based): chr7:55,181,317, G>A. VCF-style: chr7-55181317-G-A. GRCh37 (hg19) VCF-style: chr7-55249010-G-A.
Other names: c.2173G>A, p.Asp725Asn (NM_001346897.2, NM_001346899.2); c.2308G>A, p.Asp770Asn (NM_001346898.2); c.2149G>A, p.Asp717Asn (NM_001346900.2); c.1507G>A, p.Asp503Asn (NM_001346941.2); short protein forms D725N, D770N, D717N, D503N.
Identifiers: ClinVar variation 2191529 (VCV002191529.5), dbSNP rs2128958340, ClinGen allele CA367578627.

ClinVar aggregate classification (germline): Conflicting classifications of pathogenicity. Review status: criteria provided, conflicting classifications (1 of 4 stars). 2 submissions from 2 submitters: Uncertain significance (1); Likely benign (1). Last evaluated 2025-08-04.

Conditions:
EGFR-related lung cancer (EGFR). Identifiers: MedGen CN130014.
Hereditary cancer-predisposing syndrome. Also called: Hereditary Cancer Syndrome; Tumor predisposition; Hereditary neoplastic syndrome; Neoplastic Syndromes, Hereditary. Identifiers: Orphanet 140162, MedGen C0027672, MeSH D009386, MONDO:0015356.

Submissions (2):

Ambry Genetics
Classification: Likely benign for Hereditary cancer-predisposing syndrome. Last evaluated: 2025-08-04. Review status: criteria provided, single submitter. Criteria: Ambry Variant Classification Scheme 2023. Collection method: clinical testing. Allele origin: germline.

Labcorp Genetics (formerly Invitae), Labcorp
Classification: Uncertain significance for EGFR-related lung cancer. Last evaluated: 2024-06-14. Review status: criteria provided, single submitter. Criteria: Invitae Variant Classification Sherloc (09022015). Collection method: clinical testing. Allele origin: germline.
Comment: This sequence change replaces aspartic acid, which is acidic and polar, with asparagine, which is neutral and polar, at codon 770 of the EGFR protein (p.Asp770Asn). This variant is not present in population databases (gnomAD no frequency). This variant has not been reported in the literature in individuals affected with EGFR-related conditions. ClinVar contains an entry for this variant (Variation ID: 2191529). Advanced modeling of protein sequence and biophysical properties (such as structural, functional, and spatial information, amino acid conservation, physicochemical variation, residue mobility, and thermodynamic stability) performed at Invitae indicates that this missense variant is not expected to disrupt EGFR protein function with a negative predictive value of 80%. In summary, the available evidence is currently insufficient to determine the role of this variant in disease. Therefore, it has been classified as a Variant of Uncertain Significance.